The following is an entry in ClinVar:

NM_006946.4(SPTBN2):c.2728G>A (p.Ala910Thr)

Gene: SPTBN2 (spectrin beta, non-erythrocytic 2; minus strand). Cytogenetic location: 11q13.2.
Variant type: single nucleotide variant.
Coding change: c.2728G>A on transcript NM_006946.4 (MANE Select); coding-DNA position 2728, G replaced by A.
Protein change: p.Ala910Thr; replaces alanine 910 with threonine.
Molecular consequence: missense variant.
Genome position (GRCh38, 1-based): chr11:66,701,672, C>T on the plus strand (G>A on the coding strand, the complement: SPTBN2 is on the minus strand). VCF-style: chr11-66701672-C-T. GRCh37 (hg19) VCF-style: chr11-66469143-C-T.
Other names: c.2749G>A, p.Ala917Thr (NM_001411025.1); short protein forms A910T, A917T.
Identifiers: ClinVar variation 3252769 (VCV003252769.1), dbSNP rs766328275.
Genomic context (GRCh38, chr11:66,701,672, plus strand): 5'-CAATGCGGTCTTTGCCTGGGGGGTTGGCCTTCAGTAACTGCTCGGCAATGTCATTCACCG[C>T]GGTGATTTGTGCTGCAAGGGTGTTCATTTCAGGCTCCAGGGTCTCGAACCTGAGAGGGTG-3'
Protein context (NP_008877.2, residues 900-920): EMNTLAAQIT[Ala910Thr]VNDIAEQLLK

ClinVar aggregate classification (germline): Uncertain significance (1 of 4 stars; one submission).

gnomAD v4.1: 7 of 1,613,894 alleles (0.00043%); highest among the groups gnomAD compares: East Asian, 0.0022%; no homozygotes.

Submission:

GeneDx
Classification: Uncertain significance. Last evaluated: 2023-10-01. Review status: criteria provided, single submitter. Criteria: GeneDx Variant Classification Process June 2021. Collection method: clinical testing. Allele origin: germline. Affected: yes.
Comment: In silico analysis supports that this missense variant does not alter protein structure/function; Has not been previously published as pathogenic or benign to our knowledge